The following is an entry in ClinVar:

ClinVar aggregate classification (germline): Likely benign (1 of 4 stars; one submission).

Allele frequency attached by ClinVar (database versions not stated): TOPMed 0.00011; gnomAD 0.00035; gnomAD exomes 0.00056; ExAC 0.00134; 1000 Genomes Project 30x 0.00203; 1000 Genomes Project 0.00260.

Submission:

CeGaT Center for Human Genetics Tuebingen
Classification: Likely benign. Last evaluated: 2023-12-01. Review status: criteria provided, single submitter. Criteria: CeGaT Center For Human Genetics Tuebingen Variant Classification Criteria Version 2. Collection method: clinical testing. Allele origin: germline. Affected: yes. Observed: 1 variant allele.
Comment: ERAP1: BP4, BP7, BS2

NM_001040458.3(ERAP1):c.468G>A (p.Ser156=)

Gene: ERAP1 (endoplasmic reticulum aminopeptidase 1; minus strand). Cytogenetic location: 5q15.
Variant type: single nucleotide variant.
Coding change: c.468G>A on transcript NM_001040458.3 (MANE Select); coding-DNA position 468, G replaced by A.
Protein change: p.Ser156=; no amino-acid change (serine 156 retained).
Molecular consequence: synonymous variant.
Genome position (GRCh38, 1-based): chr5:96,803,459, C>T on the plus strand (G>A on the coding strand, the complement: ERAP1 is on the minus strand). VCF-style: chr5-96803459-C-T. GRCh37 (hg19) VCF-style: chr5-96139162-C-T.
Other names: c.468G>A, p.Ser156= (NM_001198541.3, NM_001349244.2, NM_016442.5).
Identifiers: ClinVar variation 2673016 (VCV002673016.23), dbSNP rs560339141, ClinGen allele CA3352554.